The following is an entry in ClinVar:

ClinVar aggregate classification (germline): Likely benign. Review status: criteria provided, multiple submitters, no conflicts (2 of 4 stars). 2 submissions from 2 submitters: Likely benign (2). Last evaluated 2025-09-09.

Conditions:
DNMT3A-related disorder. Also called: DNMT3A-related disorders; DNMT3A-related condition.
Inborn genetic diseases. Identifiers: MedGen C0950123, MeSH D030342.

Submissions (2):

PreventionGenetics, part of Exact Sciences
Classification: Likely benign for DNMT3A-related condition. Last evaluated: 2025-09-09. Review status: criteria provided, single submitter. Criteria: ACMG Guidelines, 2015. Collection method: clinical testing. Allele origin: germline.
Comment: This variant is classified as likely benign based on ACMG/AMP sequence variant interpretation guidelines (Richards et al. 2015 PMID: 25741868, with internal and published modifications).

Ambry Genetics
Classification: Likely benign for Inborn genetic diseases. Last evaluated: 2025-08-02. Review status: criteria provided, single submitter. Criteria: Ambry Variant Classification Scheme 2023. Collection method: clinical testing. Allele origin: germline.

NM_022552.5(DNMT3A):c.1698G>A (p.Leu566=)

Gene: DNMT3A (DNA methyltransferase 3 alpha; minus strand). Cytogenetic location: 2p23.3.
Variant type: single nucleotide variant.
Coding change: c.1698G>A on transcript NM_022552.5 (MANE Select); coding-DNA position 1698, G replaced by A.
Protein change: p.Leu566=; no amino-acid change (leucine 566 retained).
Molecular consequence: synonymous variant. On other transcripts: non-coding transcript variant (1).
Genome position (GRCh38, 1-based): chr2:25,244,308, C>T on the plus strand (G>A on the coding strand, the complement: DNMT3A is on the minus strand). VCF-style: chr2-25244308-C-T. GRCh37 (hg19) VCF-style: chr2-25467177-C-T.
Other names: c.1242G>A, p.Leu414= (NM_001320893.1); c.1029G>A, p.Leu343= (NM_001375819.1); c.1131G>A, p.Leu377= (NM_153759.3); c.1698G>A, p.Leu566= (NM_175629.2).
Identifiers: ClinVar variation 4243612 (VCV004243612.2).